The following is an entry in ClinVar:

NM_001010867.4(IBA57):c.269C>T (p.Pro90Leu)

Gene: IBA57 (iron-sulfur cluster assembly factor IBA57; plus strand). Cytogenetic location: 1q42.13.
Variant type: single nucleotide variant.
Coding change: c.269C>T on transcript NM_001010867.4 (MANE Select); coding-DNA position 269, C replaced by T.
Protein change: p.Pro90Leu; replaces proline 90 with leucine.
Molecular consequence: missense variant.
Genome position (GRCh38, 1-based): chr1:228,166,085, C>T. VCF-style: chr1-228166085-C-T. GRCh37 (hg19) VCF-style: chr1-228353786-C-T.
Other names: short protein forms P90L.
Identifiers: ClinVar variation 2151069 (VCV002151069.4), dbSNP rs940700561, ClinGen allele CA38736597.

ClinVar aggregate classification (germline): Uncertain significance (1 of 4 stars; one submission).

Conditions:
Hereditary spastic paraplegia 74. Also called: Spastic paraplegia 74, autosomal recessive. Identifiers: Orphanet 468661, MedGen C5568837, MONDO:0014644, OMIM 616451.
Multiple mitochondrial dysfunctions syndrome 3 (MMDS3). Identifiers: Orphanet 363424, MedGen C3809165, MONDO:0014132, OMIM 615330.

Allele frequency attached by ClinVar (database versions not stated): gnomAD 0.00001; gnomAD exomes 0.00002; TOPMed 0.00002.
gnomAD v4.1: 31 of 1,538,190 alleles (0.002%); highest among the groups gnomAD compares: Non-Finnish European, 0.0025%; no homozygotes.

Submission:

Labcorp Genetics (formerly Invitae), Labcorp
Classification: Uncertain significance for Multiple mitochondrial dysfunctions syndrome 3; Hereditary spastic paraplegia 74. Last evaluated: 2024-10-24. Review status: criteria provided, single submitter. Criteria: Invitae Variant Classification Sherloc (09022015). Collection method: clinical testing. Allele origin: germline.
Comment: This sequence change replaces proline, which is neutral and non-polar, with leucine, which is neutral and non-polar, at codon 90 of the IBA57 protein (p.Pro90Leu). This variant is present in population databases (no rsID available, gnomAD 0.004%). This variant has not been reported in the literature in individuals affected with IBA57-related conditions. ClinVar contains an entry for this variant (Variation ID: 2151069). An algorithm developed to predict the effect of missense changes on protein structure and function (PolyPhen-2) suggests that this variant is likely to be disruptive. In summary, the available evidence is currently insufficient to determine the role of this variant in disease. Therefore, it has been classified as a Variant of Uncertain Significance.